The following is an entry in ClinVar:

NM_000179.3(MSH6):c.1686_1687dup (p.Thr563fs)

Gene: MSH6 (mutS homolog 6; plus strand). Cytogenetic location: 2p16.3.
Variant type: Duplication.
Coding change: c.1686_1687dup on transcript NM_000179.3 (MANE Select); coding-DNA positions 1686 to 1687, 2 bases duplicated (TA; older notation c.1686_1687dupTA).
Protein change: p.Thr563fs; shifts the reading frame from threonine 563.
Molecular consequence: frameshift variant. On other transcripts: non-coding transcript variant (4), intron variant (2).
Genome position (GRCh38, 1-based): chr2:47,799,669-47,799,670, TA duplicated; duplicating any 2 consecutive bases within chr2:47,799,668-47,799,670 gives the same sequence; the c. name uses the placement nearest the transcript's 3' end. VCF-style (leftmost placement, unchanged base first): chr2-47799667-G-GAT. GRCh37 (hg19) VCF-style: chr2-48026806-G-GAT.
Other names: c.1296_1297dup, p.Thr433fs (NM_001281492.2); c.780_781dup, p.Thr261fs (NM_001281493.2, NM_001281494.2, NM_001406811.1 and 6 more transcripts); c.1782_1783dup, p.Thr595fs (NM_001406795.1, NM_001406802.1); c.1686_1687dup, p.Thr563fs (NM_001406796.1, NM_001406798.1, NM_001406800.1 and 3 more transcripts); c.1389_1390dup, p.Thr464fs (NM_001406797.1, NM_001406801.1, NM_001406805.1 and 10 more transcripts); c.1161_1162dup, p.Thr388fs (NM_001406799.1, NM_001406806.1, NM_001406807.1); c.1608_1609dup, p.Thr537fs (NM_001406804.1); c.1692_1693dup, p.Thr565fs (NM_001406813.1); and 3 more; short protein forms T261fs, T388fs, T433fs, T464fs, T507fs, T537fs, T563fs, T565fs.
Identifiers: ClinVar variation 2673627 (VCV002673627.1), dbSNP rs2530624595, ClinGen allele CA2695200614.
Genomic context (GRCh38, chr2:47,799,667, plus strand): 5'-CTCAAAGAAAAAGAGGAAGATTCTTCTGGCCATACTCGTGCATATGGTGTGTGCTTTGTT[G>GAT]ATACTTCACTGGGAAAGTTTTTCATAGGTCAGTTTTCAGATGATCGCCATTGTTCGAGAT-3'

ClinVar aggregate classification (germline): Pathogenic (1 of 4 stars; one submission).

Conditions:
Lynch syndrome 5 (LYNCH5). Also called: Colorectal cancer, hereditary nonpolyposis, type 5; Hereditary non-polyposis colorectal cancer, type 5. Identifiers: Orphanet 144, MedGen C1833477, MONDO:0013710, OMIM 614350. Disease mechanism: loss of function.

Submission:

Myriad Genetics, Inc.
Classification: Pathogenic for Lynch syndrome 5. Last evaluated: 2023-08-15. Review status: criteria provided, single submitter. Criteria: Myriad Autosomal Dominant, Autosomal Recessive and X-Linked Classification Criteria (2023). Collection method: clinical testing. Allele origin: unknown.
Comment: This variant is considered pathogenic. This variant creates a frameshift predicted to result in premature protein truncation.